The following is an entry in ClinVar:

ClinVar aggregate classification (germline): Likely benign. Review status: criteria provided, multiple submitters, no conflicts (2 of 4 stars). 2 submissions from 2 submitters: Likely benign (2). Last evaluated 2025-02-09.

Conditions:
NPHP1-related disorder. Also called: NPHP1-related condition; NPHP1-related disorders.
Nephronophthisis. Also called: Juvenile Nephronophthisis. Identifiers: Orphanet 655, MedGen C0687120, MONDO:0019005, HP:0000090.

Allele frequency attached by ClinVar (database versions not stated): gnomAD exomes below 0.00001.
gnomAD v4.1: 1 of 1,548,058 alleles (0.000065%); highest among the groups gnomAD compares: Non-Finnish European, 0.000089%; no homozygotes.

Submissions (2):

PreventionGenetics, part of Exact Sciences
Classification: Likely benign for NPHP1-related condition. Last evaluated: 2025-02-09. Review status: criteria provided, single submitter. Criteria: ACMG Guidelines, 2015. Collection method: clinical testing. Allele origin: germline.
Comment: This variant is classified as likely benign based on ACMG/AMP sequence variant interpretation guidelines (Richards et al. 2015 PMID: 25741868, with internal and published modifications).

Labcorp Genetics (formerly Invitae), Labcorp
Classification: Likely benign for Nephronophthisis. Last evaluated: 2023-01-22. Review status: criteria provided, single submitter. Criteria: Invitae Variant Classification Sherloc (09022015). Collection method: clinical testing. Allele origin: germline.

NM_001128178.3(NPHP1):c.1642+9G>C

Gene: NPHP1 (nephrocystin 1; minus strand). Cytogenetic location: 2q13.
Variant type: single nucleotide variant.
Coding change: c.1642+9G>C on transcript NM_001128178.3 (MANE Select); 9 bases into the intron after coding-DNA position 1642, G replaced by C.
Molecular consequence: intron variant.
Genome position (GRCh38, 1-based): chr2:110,131,670, C>G on the plus strand (G>C on the coding strand, the complement: NPHP1 is on the minus strand). VCF-style: chr2-110131670-C-G. GRCh37 (hg19) VCF-style: chr2-110889247-C-G.
Other names: c.1810+9G>C (NM_000272.3, NM_000272.5); c.1453+9G>C (NM_001128179.3); c.1639+9G>C (NM_001374256.1); c.1642+9G>C (NM_001374257.1); c.1807+9G>C (NM_207181.4).
Identifiers: ClinVar variation 2830980 (VCV002830980.4), dbSNP rs748508934, ClinGen allele CA53525254.
Genomic context (GRCh38, chr2:110,131,670, plus strand): 5'-TGGTATAGGTTACCTTTACTCAGAGTATGAAGCATTACTGCACATAAGGAAGTGGCAAAG[C>G]CCACTTACCAGTACTTTGCAAGCTCATCCTGTCTTTCAGGAGCACATCTCCAAGAATTTG-3'